The following is an entry in ClinVar:

NM_020822.3(KCNT1):c.3445C>T (p.Leu1149Phe)

Gene: KCNT1 (potassium sodium-activated channel subfamily T member 1; plus strand). Cytogenetic location: 9q34.3.
Variant type: single nucleotide variant.
Coding change: c.3445C>T on transcript NM_020822.3 (MANE Select); coding-DNA position 3445, C replaced by T.
Protein change: p.Leu1149Phe; replaces leucine 1149 with phenylalanine.
Molecular consequence: missense variant.
Genome position (GRCh38, 1-based): chr9:135,786,464, C>T. VCF-style: chr9-135786464-C-T. GRCh37 (hg19) VCF-style: chr9-138678310-C-T.
Other names: c.3310C>T, p.Leu1104Phe (NM_001272003.2); c.3445C>T (NM_020822.2); short protein forms L1149F, L1104F.
Identifiers: ClinVar variation 1042722 (VCV001042722.10), dbSNP rs1177972273, ClinGen allele CA375492226.

ClinVar aggregate classification (germline): Uncertain significance. Review status: criteria provided, multiple submitters, no conflicts (2 of 4 stars). 2 submissions from 2 submitters: Uncertain significance (2). Last evaluated 2024-10-22.

Conditions:
Autosomal dominant nocturnal frontal lobe epilepsy 5. Also called: KCNT1-Related Epilepsy; CILIARY DYSKINESIA, PRIMARY, 28, WITHOUT SITUS INVERSUS; CILIARY DYSKINESIA, PRIMARY, 28, WITH SITUS INVERSUS; Epilepsy, nocturnal frontal lobe, 5. Identifiers: Orphanet 98784, MedGen C3554306, MONDO:0014002, OMIM 615005.
Developmental and epileptic encephalopathy, 14 (DEE14). Also called: Early infantile epileptic encephalopathy 14. Identifiers: Orphanet 293181, MedGen C3554195, MONDO:0013989, OMIM 614959.
Inborn genetic diseases. Identifiers: MedGen C0950123, MeSH D030342.

Allele frequency attached by ClinVar (database versions not stated): gnomAD exomes below 0.00001 and 0.00001; gnomAD 0.00001; TOPMed 0.00001.
gnomAD v4.1: 6 of 1,602,676 alleles (0.00037%); highest among the groups gnomAD compares: Admixed American, 0.0068%; no homozygotes.

Submissions (2):

Labcorp Genetics (formerly Invitae), Labcorp
Classification: Uncertain significance for Autosomal dominant nocturnal frontal lobe epilepsy 5; Developmental and epileptic encephalopathy, 14. Last evaluated: 2024-10-22. Review status: criteria provided, single submitter. Criteria: Invitae Variant Classification Sherloc (09022015). Collection method: clinical testing. Allele origin: germline.
Comment: This sequence change replaces leucine, which is neutral and non-polar, with phenylalanine, which is neutral and non-polar, at codon 1149 of the KCNT1 protein (p.Leu1149Phe). This variant is present in population databases (no rsID available, gnomAD 0.006%). This variant has not been reported in the literature in individuals affected with KCNT1-related conditions. This missense change has been observed in at least one individual who was not affected with KCNT1-related conditions (internal data). ClinVar contains an entry for this variant (Variation ID: 1042722). Invitae Evidence Modeling of protein sequence and biophysical properties (such as structural, functional, and spatial information, amino acid conservation, physicochemical variation, residue mobility, and thermodynamic stability) has been performed for this missense variant. However, the output from this modeling did not meet the statistical confidence thresholds required to predict the impact of this variant on KCNT1 protein function. In summary, the available evidence is currently insufficient to determine the role of this variant in disease. Therefore, it has been classified as a Variant of Uncertain Significance.

Ambry Genetics
Classification: Uncertain significance for Inborn genetic diseases. Last evaluated: 2021-03-31. Review status: criteria provided, single submitter. Criteria: Ambry Variant Classification Scheme 2023. Collection method: clinical testing. Allele origin: germline.